The following is an entry in ClinVar:

ClinVar aggregate classification (germline): Likely benign (1 of 4 stars; one submission).

Conditions:
INPP5E-related disorder. Also called: INPP5E-related condition.

gnomAD v4.1: 6 of 1,586,666 alleles (0.00038%); highest among the groups gnomAD compares: African/African-American, 0.0013%; no homozygotes.

Submission:

PreventionGenetics, part of Exact Sciences
Classification: Likely benign for INPP5E-related condition. Last evaluated: 2025-08-10. Review status: criteria provided, single submitter. Criteria: ACMG Guidelines, 2015. Collection method: clinical testing. Allele origin: germline.
Comment: This variant is classified as likely benign based on ACMG/AMP sequence variant interpretation guidelines (Richards et al. 2015 PMID: 25741868, with internal and published modifications).

NM_019892.6(INPP5E):c.426G>A (p.Lys142=)

Gene: INPP5E (inositol polyphosphate-5-phosphatase E; minus strand). Cytogenetic location: 9q34.3.
Variant type: single nucleotide variant.
Coding change: c.426G>A on transcript NM_019892.6 (MANE Select); coding-DNA position 426, G replaced by A.
Protein change: p.Lys142=; no amino-acid change (lysine 142 retained).
Molecular consequence: synonymous variant.
Genome position (GRCh38, 1-based): chr9:136,438,994, C>T on the plus strand (G>A on the coding strand, the complement: INPP5E is on the minus strand). VCF-style: chr9-136438994-C-T. GRCh37 (hg19) VCF-style: chr9-139333446-C-T.
Other names: c.426G>A, p.Lys142= (NM_001318502.2).
Identifiers: ClinVar variation 4977551 (VCV004977551.1).
Genomic context (GRCh38, chr9:136,438,994, plus strand): 5'-AGAGAGAGGGTTACCCCCCGAGGACGGGCTCCCTCTCTCACTGCTCAGGACCCCGCGGGA[C>T]TTGGGGATTTCCTGCAAGGAGGTGCTCAGGCAGGGCGGGGAGCAGCTGTGGGCGGGGGCC-3'
Protein context (NP_063945.2, residues 132-152): CLSTSLQEIP[Lys142=]SRGVLSSERG